The following is an entry in ClinVar:

NM_005461.5(MAFB):c.*30C>A

Gene: MAFB (MAF bZIP transcription factor B; minus strand). Cytogenetic location: 20q12.
Variant type: single nucleotide variant.
Coding change: c.*30C>A on transcript NM_005461.5 (MANE Select); 30 bases downstream of the stop codon, C replaced by A.
Molecular consequence: 3 prime UTR variant.
Genome position (GRCh38, 1-based): chr20:40,687,849, G>T on the plus strand (C>A on the coding strand, the complement: MAFB is on the minus strand). VCF-style: chr20-40687849-G-T. GRCh37 (hg19) VCF-style: chr20-39316489-G-T.
Identifiers: ClinVar variation 338407 (VCV000338407.6), dbSNP rs780982442, ClinGen allele CA9857720.

ClinVar aggregate classification (germline): Likely benign. Review status: criteria provided, multiple submitters, no conflicts (2 of 4 stars). 2 submissions from 2 submitters: Likely benign (2). Last evaluated 2018-01-13.

Conditions:
Multicentric carpo-tarsal osteolysis with or without nephropathy. Also called: Multicentric Osteolysis of Carpal Bones and Nephropathy; OSTEOLYSIS, HEREDITARY, OF CARPAL BONES WITH OR WITHOUT NEPHROPATHY; Carnevale Canun Mendoza syndrome; MULTICENTRIC OSTEOLYSIS, AUTOSOMAL DOMINANT; Multicentric Carpotarsal Osteolysis with or without Nephropathy; MULTICENTRIC CARPOTARSAL OSTEOLYSIS SYNDROME. Identifiers: Orphanet 2774, MedGen C2674705, MONDO:0008152, OMIM 166300.

Allele frequency attached by ClinVar (database versions not stated): gnomAD 0.00003; TOPMed 0.00006; ExAC 0.00009.

Submissions (2):

Illumina Laboratory Services, Illumina
Classification: Likely benign for Multicentric carpo-tarsal osteolysis with or without nephropathy. Last evaluated: 2018-01-13. Review status: criteria provided, single submitter. Criteria: ICSL Variant Classification Criteria 13 December 2019. Collection method: clinical testing. Allele origin: germline.
Comment: This variant was observed in the ICSL laboratory as part of a predisposition screen in an ostensibly healthy population. It had not been previously curated by ICSL or reported in the Human Gene Mutation Database (HGMD: prior to June 1st, 2018), and was therefore a candidate for classification through an automated scoring system. Utilizing variant allele frequency, disease prevalence and penetrance estimates, and inheritance mode, an automated score was calculated to assess if this variant is too frequent to cause the disease. Based on the score and internal cut-off values, a variant classified as likely benign is not then subjected to further curation. The score for this variant resulted in a classification of likely benign for this disease.

Breakthrough Genomics
Classification: Likely benign. Review status: criteria provided, single submitter. Criteria: ACMG Guidelines, 2015. Collection method: not provided. Allele origin: germline. Inheritance: Autosomal dominant inheritance. Affected: yes.